The following is an entry in ClinVar:

NM_001378454.1(ALMS1):c.8006G>A (p.Arg2669Gln)

Gene: ALMS1 (ALMS1 centrosome and basal body associated protein; plus strand). Cytogenetic location: 2p13.1.
Variant type: single nucleotide variant.
Coding change: c.8006G>A on transcript NM_001378454.1 (MANE Select); coding-DNA position 8006, G replaced by A.
Protein change: p.Arg2669Gln; replaces arginine 2669 with glutamine.
Molecular consequence: missense variant.
Genome position (GRCh38, 1-based): chr2:73,489,965, G>A. VCF-style: chr2-73489965-G-A. GRCh37 (hg19) VCF-style: chr2-73717092-G-A.
Other names: c.8009G>A, p.Arg2670Gln (NM_015120.4); short protein forms R2669Q, R2670Q.
Identifiers: ClinVar variation 1761624 (VCV001761624.2), dbSNP rs747268891, ClinGen allele CA50377816.

ClinVar aggregate classification (germline): Uncertain significance (1 of 4 stars; one submission).

Conditions:
Cardiovascular phenotype. Identifiers: MedGen CN230736.

Allele frequency attached by ClinVar (database versions not stated): gnomAD 0.00001; gnomAD exomes 0.00001; TOPMed 0.00001.
gnomAD v4.1: 21 of 1,614,048 alleles (0.0013%); highest among the groups gnomAD compares: Non-Finnish European, 0.0014%; no homozygotes.

Submission:

Ambry Genetics
Classification: Uncertain significance for Cardiovascular phenotype. Last evaluated: 2021-06-10. Review status: criteria provided, single submitter. Criteria: Ambry Variant Classification Scheme 2023. Collection method: clinical testing. Allele origin: germline.
Comment: The p.R2670Q variant (also known as c.8009G>A), located in coding exon 10 of the ALMS1 gene, results from a G to A substitution at nucleotide position 8009. The arginine at codon 2670 is replaced by glutamine, an amino acid with highly similar properties. This amino acid position is not well conserved in available vertebrate species, and glutamine is the reference amino acid in other vertebrate species. In addition, this alteration is predicted to be tolerated by in silico analysis. Since supporting evidence is limited at this time, the clinical significance of this alteration remains unclear.